The following is an entry in ClinVar:

ClinVar aggregate classification (germline): Uncertain significance. Review status: criteria provided, multiple submitters, no conflicts (2 of 4 stars). 2 submissions from 2 submitters: Uncertain significance (2). Last evaluated 2024-10-18.

Conditions:
Cardiomyopathy (CMYO). Also called: Cardiomyopathies. Identifiers: Orphanet 167848, MedGen C0878544, MONDO:0004994, HP:0001638. Inheritance: Various modes of inheritance.
Dilated cardiomyopathy 1D. Identifiers: Orphanet 154, Orphanet 54260, MedGen C1832243, MONDO:0011095, OMIM 601494.
Cardiomyopathy, familial restrictive, 3. Identifiers: Orphanet 75249, MedGen C2676271, MONDO:0012900, OMIM 612422.
Hypertrophic cardiomyopathy 2. Also called: TNNT2-Related Familial Hypertrophic Cardiomyopathy. Identifiers: MedGen C1861864, MONDO:0007266, OMIM 115195.

Allele frequency attached by ClinVar (database versions not stated): TOPMed below 0.00001.
gnomAD v4.1: 1 of 1,614,236 alleles (0.000062%); no homozygotes.

Submissions (2):

Labcorp Genetics (formerly Invitae), Labcorp
Classification: Uncertain significance for Cardiomyopathy, familial restrictive, 3; Hypertrophic cardiomyopathy 2; Dilated cardiomyopathy 1D. Last evaluated: 2024-10-18. Review status: criteria provided, single submitter. Criteria: Invitae Variant Classification Sherloc (09022015). Collection method: clinical testing. Allele origin: germline.
Comment: This sequence change replaces valine, which is neutral and non-polar, with leucine, which is neutral and non-polar, at codon 218 of the TNNT2 protein (p.Val218Leu). This variant is present in population databases (no rsID available, gnomAD 0.003%). This missense change has been observed in individual(s) with hypertrophic cardiomyopathy (PMID: 25611685, 27532257, 28790153). This variant is also known as p.Val228Leu. ClinVar contains an entry for this variant (Variation ID: 967621). Invitae Evidence Modeling of protein sequence and biophysical properties (such as structural, functional, and spatial information, amino acid conservation, physicochemical variation, residue mobility, and thermodynamic stability) indicates that this missense variant is not expected to disrupt TNNT2 protein function with a negative predictive value of 80%. Experimental studies have shown that this missense change does not substantially affect TNNT2 function (PMID: 33025817). In summary, the available evidence is currently insufficient to determine the role of this variant in disease. Therefore, it has been classified as a Variant of Uncertain Significance.

Color Diagnostics, LLC DBA Color Health
Classification: Uncertain significance for Cardiomyopathy. Last evaluated: 2023-06-13. Review status: criteria provided, single submitter. Criteria: ACMG Guidelines, 2015. Collection method: clinical testing. Allele origin: germline.
Comment: This missense variant replaces valine with leucine at codon 218 of the TNNT2 protein. Computational prediction suggests that this variant may not impact protein structure and function (internally defined REVEL score threshold <= 0.5, PMID: 27666373). To our knowledge, functional studies have not been reported for this variant. This variant has been reported in two individuals affected with hypertrophic cardiomyopathy (PMID: 25611685, 27532257, 28408708, 28790153). This variant has been identified in 1/251490 chromosomes in the general population by the Genome Aggregation Database (gnomAD). The available evidence is insufficient to determine the role of this variant in disease conclusively. Therefore, this variant is classified as a Variant of Uncertain Significance.

Literature cited by the submitters: PubMed 25611685 (cited by Labcorp Genetics (formerly Invitae), Labcorp and Color Diagnostics, LLC DBA Color Health); PubMed 27532257 (cited by Labcorp Genetics (formerly Invitae), Labcorp and Color Diagnostics, LLC DBA Color Health); PubMed 28790153 (cited by Labcorp Genetics (formerly Invitae), Labcorp and Color Diagnostics, LLC DBA Color Health); PubMed 33025817 (cited by Labcorp Genetics (formerly Invitae), Labcorp); PubMed 28408708 (cited by Color Diagnostics, LLC DBA Color Health).

NM_001276345.2(TNNT2):c.682G>C (p.Val228Leu)

Gene: TNNT2 (troponin T2, cardiac type; minus strand). Cytogenetic location: 1q32.1.
Variant type: single nucleotide variant.
Coding change: c.682G>C on transcript NM_001276345.2 (MANE Select); coding-DNA position 682, G replaced by C.
Protein change: p.Val228Leu; replaces valine 228 with leucine.
Molecular consequence: missense variant.
Genome position (GRCh38, 1-based): chr1:201,361,950, C>G on the plus strand (G>C on the coding strand, the complement: TNNT2 is on the minus strand). VCF-style: chr1-201361950-C-G. GRCh37 (hg19) VCF-style: chr1-201331078-C-G.
Other names: c.673G>C, p.Val225Leu (NM_000364.4); c.652G>C, p.Val218Leu (NM_001001430.3, NM_001276347.2); c.643G>C, p.Val215Leu (NM_001001431.3); c.634G>C, p.Val212Leu (NM_001001432.3); c.553G>C, p.Val185Leu (NM_001276346.2); short protein forms V228L, V185L, V212L, V215L, V218L, V225L.
Identifiers: ClinVar variation 967621 (VCV000967621.9), dbSNP rs397516479, ClinGen allele CA344203648.